The following is an entry in ClinVar:

NM_020937.4(FANCM):c.3467G>A (p.Ser1156Asn)

Gene: FANCM (FA complementation group M; plus strand). Cytogenetic location: 14q21.2.
Variant type: single nucleotide variant.
Coding change: c.3467G>A on transcript NM_020937.4 (MANE Select); coding-DNA position 3467, G replaced by A.
Protein change: p.Ser1156Asn; replaces serine 1156 with asparagine.
Molecular consequence: missense variant.
Genome position (GRCh38, 1-based): chr14:45,176,221, G>A. VCF-style: chr14-45176221-G-A. GRCh37 (hg19) VCF-style: chr14-45645424-G-A.
Other names: c.3389G>A, p.Ser1130Asn (NM_001308133.2); short protein forms S1156N, S1130N.
Identifiers: ClinVar variation 1428405 (VCV001428405.8), dbSNP rs2139248693, ClinGen allele CA389601677.

ClinVar aggregate classification (germline): Uncertain significance (1 of 4 stars; one submission).

Conditions:
Fanconi anemia (FA). Also called: Fanconi's anemia. Identifiers: Orphanet 84, MedGen C0015625, MeSH D005199, MONDO:0019391.

gnomAD v4.1: 4 of 1,614,060 alleles (0.00025%); highest among the groups gnomAD compares: Non-Finnish European, 0.00034%; no homozygotes.

Submission:

Labcorp Genetics (formerly Invitae), Labcorp
Classification: Uncertain significance for Fanconi anemia. Last evaluated: 2021-07-26. Review status: criteria provided, single submitter. Criteria: Invitae Variant Classification Sherloc (09022015). Collection method: clinical testing. Allele origin: germline.
Comment: This variant is not present in population databases (ExAC no frequency). This variant has not been reported in the literature in individuals affected with FANCM-related conditions. This sequence change replaces serine with asparagine at codon 1156 of the FANCM protein (p.Ser1156Asn). The serine residue is weakly conserved and there is a small physicochemical difference between serine and asparagine. In summary, the available evidence is currently insufficient to determine the role of this variant in disease. Therefore, it has been classified as a Variant of Uncertain Significance. Algorithms developed to predict the effect of missense changes on protein structure and function (SIFT, PolyPhen-2, Align-GVGD) all suggest that this variant is likely to be tolerated.